The following is an entry in ClinVar:

ClinVar aggregate classification (germline): Likely pathogenic (1 of 4 stars; one submission).

Conditions:
Retinitis pigmentosa 25 (RP25). Identifiers: Orphanet 791, MedGen C1864446, MONDO:0011272, OMIM 602772.

Submission:

Natera, Inc.
Classification: Likely pathogenic for Retinitis pigmentosa type 25. Last evaluated: 2025-06-23. Review status: criteria provided, single submitter. Criteria: Natera Variant Classification Schema (03/2026). Collection method: clinical testing. Allele origin: germline.
Comment: The c.5593_5596del variant in EYS is a frameshift variant predicted to shift the reading frame beginning at codon 1865 and leads to a stop codon 13 codons downstream. This variant is expected to result in nonsense mediated decay, truncation, or a dysfunctional protein product. This variant is rare in the general population with a frequency below the threshold expected for the associated phenotype(s). Given the available evidence, this variant is classified as Likely Pathogenic.

NM_001142800.2(EYS):c.5593_5596del (p.Thr1865fs)

Gene: EYS (EGF-like photoreceptor maintenance factor; minus strand). Cytogenetic location: 6q12.
Variant type: Deletion.
Coding change: c.5593_5596del on transcript NM_001142800.2 (MANE Select); coding-DNA positions 5593 to 5596, 4 bases deleted (ACTT; older notation c.5593_5596delACTT).
Protein change: p.Thr1865fs; shifts the reading frame from threonine 1865.
Molecular consequence: frameshift variant.
Genome position (GRCh38, 1-based): chr6:64,590,271-64,590,274, AAGT deleted on the plus strand (ACTT on the coding strand, the reverse complement: EYS is on the minus strand); deleting any 4 consecutive bases within chr6:64,590,271-64,590,277 gives the same sequence; the c. name uses the placement nearest the transcript's 3' end. VCF-style (leftmost placement, unchanged base first): chr6-64590270-AAAGT-A. GRCh37 (hg19) VCF-style: chr6-65300163-AAAGT-A.
Other names: c.5593_5596del, p.Thr1865fs (NM_001292009.2); short protein forms T1865fs.
Identifiers: ClinVar variation 4814649 (VCV004814649.1).
Genomic context (GRCh38, chr6:64,590,270, plus strand): 5'-CTGAGAAACTCACCAGAAATCATCAGCCGTTGAGGTGCCAGAATGGATTCCAGTGAAGAC[AAAGT>A]AAGAGATCTAGTGAAGGGAAGATGCCGGCTTGCAGTGGGAAATTCCTGATATTGCACACT-3'